The following is an entry in ClinVar:

ClinVar aggregate classification (germline): Uncertain significance (1 of 4 stars; one submission).

Allele frequency attached by ClinVar (database versions not stated): gnomAD exomes below 0.00001; gnomAD 0.00001; TOPMed 0.00002.

Submission:

Labcorp Genetics (formerly Invitae), Labcorp
Classification: Uncertain significance. Last evaluated: 2022-11-01. Review status: criteria provided, single submitter. Criteria: Invitae Variant Classification Sherloc (09022015). Collection method: clinical testing. Allele origin: germline.
Comment: In summary, the available evidence is currently insufficient to determine the role of this variant in disease. Therefore, it has been classified as a Variant of Uncertain Significance. Algorithms developed to predict the effect of missense changes on protein structure and function are either unavailable or do not agree on the potential impact of this missense change (SIFT: "Tolerated"; PolyPhen-2: "Possibly Damaging"; Align-GVGD: "Class C0"). This variant has not been reported in the literature in individuals affected with FSCN2-related conditions. This variant is not present in population databases (gnomAD no frequency). This sequence change replaces aspartic acid, which is acidic and polar, with glycine, which is neutral and non-polar, at codon 472 of the FSCN2 protein (p.Asp472Gly).

NM_012418.4(FSCN2):c.1343A>G (p.Asp448Gly)

Gene: FSCN2 (fascin actin-bundling protein 2, retinal; plus strand). Cytogenetic location: 17q25.3.
Variant type: single nucleotide variant.
Coding change: c.1343A>G on transcript NM_012418.4 (MANE Select); coding-DNA position 1343, A replaced by G.
Protein change: p.Asp448Gly; replaces aspartic acid 448 with glycine.
Molecular consequence: missense variant.
Genome position (GRCh38, 1-based): chr17:81,536,944, A>G. VCF-style: chr17-81536944-A-G. GRCh37 (hg19) VCF-style: chr17-79503970-A-G.
Other names: c.1415A>G, p.Asp472Gly (NM_001077182.3); short protein forms D448G, D472G.
Identifiers: ClinVar variation 1962750 (VCV001962750.5), dbSNP rs1051870952, ClinGen allele CA295085798.